The following is an entry in ClinVar:

NM_001378969.1(KCND3):c.1892C>T (p.Pro631Leu)

Gene: KCND3 (potassium voltage-gated channel subfamily D member 3; minus strand). Cytogenetic location: 1p13.2.
Variant type: single nucleotide variant.
Coding change: c.1892C>T on transcript NM_001378969.1 (MANE Select); coding-DNA position 1892, C replaced by T.
Protein change: p.Pro631Leu; replaces proline 631 with leucine.
Molecular consequence: missense variant.
Genome position (GRCh38, 1-based): chr1:111,776,153, G>A on the plus strand (C>T on the coding strand, the complement: KCND3 is on the minus strand). VCF-style: chr1-111776153-G-A. GRCh37 (hg19) VCF-style: chr1-112318775-G-A.
Other names: c.1835C>T, p.Pro612Leu (NM_001378970.1, NM_172198.3); c.1892C>T, p.Pro631Leu (NM_004980.5); short protein forms P631L, P612L.
Identifiers: ClinVar variation 4749034 (VCV004749034.1).

ClinVar aggregate classification (germline): Uncertain significance (1 of 4 stars; one submission).

Conditions:
Spinocerebellar ataxia type 19/22 (SCA19). Also called: SPINOCEREBELLAR ATAXIA 19; SPINOCEREBELLAR ATAXIA 22. Identifiers: Orphanet 98772, MedGen C1846367, MONDO:0011819, OMIM 607346.

gnomAD v4.1: 1 of 1,614,202 alleles (0.000062%); highest among the groups gnomAD compares: Non-Finnish European, 0.000085%; no homozygotes.

Submission:

Labcorp Genetics (formerly Invitae), Labcorp
Classification: Uncertain significance for Spinocerebellar ataxia type 19/22. Last evaluated: 2025-06-10. Review status: criteria provided, single submitter. Criteria: Invitae Variant Classification Sherloc (09022015). Collection method: clinical testing. Allele origin: germline.
Comment: This sequence change replaces proline, which is neutral and non-polar, with leucine, which is neutral and non-polar, at codon 631 of the KCND3 protein (p.Pro631Leu). This variant is not present in population databases (gnomAD no frequency). This variant has not been reported in the literature in individuals affected with KCND3-related conditions. Invitae Evidence Modeling of protein sequence and biophysical properties (such as structural, functional, and spatial information, amino acid conservation, physicochemical variation, residue mobility, and thermodynamic stability) indicates that this missense variant is not expected to disrupt KCND3 protein function with a negative predictive value of 95%. In summary, the available evidence is currently insufficient to determine the role of this variant in disease. Therefore, it has been classified as a Variant of Uncertain Significance.